The following is an entry in ClinVar:

ClinVar aggregate classification (germline): Conflicting classifications of pathogenicity. Review status: criteria provided, conflicting classifications (1 of 4 stars). 12 submissions from 12 submitters: Uncertain significance (1); Benign (1); Likely benign (9). 1 of the submissions does not count toward it. Last evaluated 2025-11-22.

Conditions:
Breast and/or ovarian cancer. Identifiers: MedGen CN221562.
Hereditary cancer-predisposing syndrome. Also called: Neoplastic Syndromes, Hereditary; Hereditary Cancer Syndrome; Tumor predisposition; Hereditary neoplastic syndrome. Identifiers: Orphanet 140162, MedGen C0027672, MeSH D009386, MONDO:0015356.
Peutz-Jeghers syndrome (PJS). Also called: Peutz-Jeghers polyposis; Periorificial lentiginosis syndrome; POLYPOSIS, HAMARTOMATOUS INTESTINAL; POLYPS-AND-SPOTS SYNDROME. Identifiers: Orphanet 2869, MedGen C0031269, MeSH D010580, MONDO:0008280, OMIM 175200.

Allele frequency attached by ClinVar (database versions not stated): TOPMed below 0.00001; gnomAD 0.00001 and 0.00002; gnomAD exomes 0.00003 and 0.00007; ExAC 0.00016; 1000 Genomes Project 0.00020; 1000 Genomes Project 30x 0.00031.
gnomAD v4.1: 44 of 1,606,608 alleles (0.0027%); highest among the groups gnomAD compares: East Asian, 0.025%; 2 homozygotes.

Submissions (12):

Labcorp Genetics (formerly Invitae), Labcorp
Classification: Likely benign for Peutz-Jeghers syndrome. Last evaluated: 2025-11-22. Review status: criteria provided, single submitter. Criteria: Invitae Variant Classification Sherloc (09022015). Collection method: clinical testing. Allele origin: germline.

Color Diagnostics, LLC DBA Color Health
Classification: Likely benign for Hereditary cancer-predisposing syndrome. Last evaluated: 2024-09-19. Review status: criteria provided, single submitter. Criteria: ACMG Guidelines, 2015. Collection method: clinical testing. Allele origin: germline.

Quest Diagnostics Nichols Institute San Juan Capistrano
Classification: Likely benign. Last evaluated: 2023-05-23. Review status: criteria provided, single submitter. Criteria: Quest Diagnostics criteria. Collection method: clinical testing. Allele origin: unknown.

Myriad Genetics, Inc.
Classification: Uncertain significance for Peutz-Jeghers syndrome. Last evaluated: 2023-04-14. Review status: criteria provided, single submitter. Criteria: Myriad Autosomal Dominant, Autosomal Recessive and X-Linked Classification Criteria (2023). Collection method: clinical testing. Allele origin: unknown.
Comment: This variant is classified as a variant of uncertain significance as there is insufficient evidence to determine its impact on protein function and/or cancer risk.

CHEO Genetics Diagnostic Laboratory, Children's Hospital of Eastern Ontario
Classification: Likely benign for Breast and/or ovarian cancer. Last evaluated: 2021-08-25. Review status: criteria provided, single submitter. Criteria: ACMG Guidelines, 2015. Collection method: clinical testing. Allele origin: germline.

Genome-Nilou Lab
Classification: Likely benign for Peutz-Jeghers syndrome. Last evaluated: 2021-07-15. Review status: criteria provided, single submitter. Criteria: ACMG Guidelines, 2015. Collection method: clinical testing. Allele origin: germline. Affected: no.

Sema4
Classification: Benign for Hereditary cancer-predisposing syndrome. Last evaluated: 2021-07-12. Review status: criteria provided, single submitter. Criteria: Sema4 Curation Guidelines. Collection method: curation. Allele origin: germline.

Blueprint Genetics
Classification: Likely benign. Last evaluated: 2021-01-12. Review status: criteria provided, single submitter. Criteria: ACMG Guidelines, 2015. Collection method: clinical testing. Allele origin: germline.

Women's Health and Genetics/Laboratory Corporation of America, LabCorp
Classification: Likely benign. Last evaluated: 2020-11-06. Review status: criteria provided, single submitter. Criteria: LabCorp Variant Classification Summary - May 2015. Collection method: clinical testing. Allele origin: germline.
Comment: Variant summary: STK11 c.1190C>T (p.Ala397Val) results in a non-conservative amino acid change in the encoded protein sequence. Four of five in-silico tools predict a benign effect of the variant on protein function. The variant allele was found at a frequency of 7.4e-05 in 231272 control chromosomes in the gnomAD database, including 2 homozygotes. The observed variant frequency is approximately 12 fold of the estimated maximal expected allele frequency for a pathogenic variant in STK11 causing Peutz-Jeghers Syndrome phenotype (6.3e-06), strongly suggesting that the variant is benign. In addition, the variant was also found in healthy Japanese population at a frequency of 0.0004 (jMorp database, 4.7K healthy Japanese individuals). c.1190C>T has been reported in the literature (e.g. Kim_2019). These reports, however do not provide unequivocal conclusions about association of the variant with Peutz-Jeghers Syndrome. To our knowledge, no experimental evidence demonstrating an impact on protein function has been reported. Five ClinVar submitters (evaluation after 2014) cite the variant as uncertain significance (n=3) or likely benign (n=2). Based on the evidence outlined above, the variant was classified as likely benign.

GeneDx
Classification: Likely benign. Last evaluated: 2020-03-07. Review status: criteria provided, single submitter. Criteria: GeneDx Variant Classification Process June 2021. Collection method: clinical testing. Allele origin: germline. Affected: yes.
Comment: This variant is associated with the following publications: (PMID: 29338689, 17711506, 24468202)

Ambry Genetics
Classification: Likely benign for Hereditary cancer-predisposing syndrome. Last evaluated: 2020-01-15. Review status: criteria provided, single submitter. Criteria: Ambry Variant Classification Scheme 2023. Collection method: clinical testing. Allele origin: germline.

Counsyl
Classification: Uncertain significance for Peutz-Jeghers syndrome. Last evaluated: 2015-12-23. Review status: no assertion criteria provided. Collection method: clinical testing. Allele origin: unknown. Not counted in ClinVar's aggregate classification.

Literature cited by the submitters: PubMed 31269945 (cited by Quest Diagnostics Nichols Institute San Juan Capistrano and Women's Health and Genetics/Laboratory Corporation of America, LabCorp); PubMed 30287823 (cited by Quest Diagnostics Nichols Institute San Juan Capistrano and Ambry Genetics); PubMed 17711506 (cited by 3 submitters); PubMed 24468202 (cited by 3 submitters); PubMed 29338689 (cited by Ambry Genetics).

NM_000455.5(STK11):c.1190C>T (p.Ala397Val)

Gene: STK11 (serine/threonine kinase 11; plus strand). Cytogenetic location: 19p13.3.
Variant type: single nucleotide variant.
Coding change: c.1190C>T on transcript NM_000455.5 (MANE Select); coding-DNA position 1190, C replaced by T.
Protein change: p.Ala397Val; replaces alanine 397 with valine.
Molecular consequence: missense variant.
Genome position (GRCh38, 1-based): chr19:1,226,535, C>T. VCF-style: chr19-1226535-C-T. GRCh37 (hg19) VCF-style: chr19-1226534-C-T.
Other names: p.A397V:GCG>GTG; short protein forms A397V.
Identifiers: ClinVar variation 141004 (VCV000141004.33), dbSNP rs558040549, ClinGen allele CA022434.